The following is an entry in ClinVar:

ClinVar aggregate classification (germline): Pathogenic (1 of 4 stars; one submission).

Conditions:
Pyknodysostosis. Also called: Pycnodysostosis. Identifiers: Orphanet 763, MedGen C0238402, MONDO:0009940, OMIM 265800.

Submission:

Myriad Genetics, Inc.
Classification: Pathogenic for Pyknodysostosis. Last evaluated: 2024-12-10. Review status: criteria provided, single submitter. Criteria: Myriad Autosomal Dominant, Autosomal Recessive and X-Linked Classification Criteria (2023). Collection method: clinical testing. Allele origin: unknown.
Comment: NM_000396.3(CTSK):c.577delC(R193Gfs*43) is expected to be pathogenic in the context of pycnodysostosis. This variant is predicted to lead to an abnormal or absent protein product due to the creation of a premature termination codon in CTSK, a gene where loss-of-function variants are known to be pathogenic. Please note: this variant was assessed in the context of healthy population screening.

NM_000396.4(CTSK):c.577del (p.Arg193fs)

Gene: CTSK (cathepsin K; minus strand). Cytogenetic location: 1q21.3.
Variant type: Deletion.
Coding change: c.577del on transcript NM_000396.4 (MANE Select); coding-DNA position 577, one base deleted (C; older notation c.577delC).
Protein change: p.Arg193fs; shifts the reading frame from arginine 193.
Molecular consequence: frameshift variant.
Genome position (GRCh38, 1-based): chr1:150,804,062, G deleted on the plus strand (C on the coding strand, the reverse complement: CTSK is on the minus strand); the first of 2 consecutive G bases (chr1:150,804,062-150,804,063); deleting either gives the same sequence. VCF-style (leftmost placement, unchanged base first): chr1-150804061-CG-C. GRCh37 (hg19) VCF-style: chr1-150776537-CG-C.
Other names: short protein forms R193fs.
Identifiers: ClinVar variation 5013843 (VCV005013843.1).